The following is an entry in ClinVar:

ClinVar aggregate classification (germline): Likely benign. Review status: criteria provided, multiple submitters, no conflicts (2 of 4 stars). 5 submissions from 4 submitters: Likely benign (5). Last evaluated 2024-03-25.

Conditions:
Adams-Oliver syndrome 5 (AOS5). Identifiers: Orphanet 974, MedGen C4014970, MONDO:0014459, OMIM 616028.
Aortic valve disease 1 (AOVD1). Identifiers: MedGen C3887892, MONDO:0024523, OMIM 109730.
Familial thoracic aortic aneurysm and aortic dissection (TAAD). Also called: Thoracic aortic aneurysms and dissections. Identifiers: Orphanet 91387, MedGen C4707243, MONDO:0019625.

Allele frequency attached by ClinVar (database versions not stated): gnomAD exomes 0.00001; TOPMed 0.00001.
gnomAD v4.1: 7 of 1,612,824 alleles (0.00043%); highest among the groups gnomAD compares: African/African-American, 0.0013%; no homozygotes.

Submissions (5):

Labcorp Genetics (formerly Invitae), Labcorp
Classification: Likely benign for Adams-Oliver syndrome 5. Last evaluated: 2024-03-25. Review status: criteria provided, single submitter. Criteria: Invitae Variant Classification Sherloc (09022015). Collection method: clinical testing. Allele origin: germline.

Ambry Genetics
Classification: Likely benign for Familial thoracic aortic aneurysm and aortic dissection. Last evaluated: 2023-09-18. Review status: criteria provided, single submitter. Criteria: Ambry Variant Classification Scheme 2023. Collection method: clinical testing. Allele origin: germline.

Genome-Nilou Lab
Classification: Likely benign for Adams-Oliver syndrome 5. Last evaluated: 2022-03-15. Review status: criteria provided, single submitter. Criteria: ACMG Guidelines, 2015. Collection method: clinical testing. Allele origin: germline. Affected: no.

Genome-Nilou Lab
Classification: Likely benign for Aortic valve disease 1. Last evaluated: 2022-03-15. Review status: criteria provided, single submitter. Criteria: ACMG Guidelines, 2015. Collection method: clinical testing. Allele origin: germline. Affected: no.

GeneDx
Classification: Likely benign. Last evaluated: 2018-05-22. Review status: criteria provided, single submitter. Criteria: GeneDx Variant Classification (06012015). Collection method: clinical testing. Allele origin: germline. Affected: yes.
Comment: This variant is considered likely benign or benign based on one or more of the following criteria: it is a conservative change, it occurs at a poorly conserved position in the protein, it is predicted to be benign by multiple in silico algorithms, and/or has population frequency not consistent with disease.

NM_017617.5(NOTCH1):c.6966A>G (p.Gln2322=)

Gene: NOTCH1 (notch receptor 1; minus strand). Cytogenetic location: 9q34.3.
Variant type: single nucleotide variant.
Coding change: c.6966A>G on transcript NM_017617.5 (MANE Select); coding-DNA position 6966, A replaced by G.
Protein change: p.Gln2322=; no amino-acid change (glutamine 2322 retained).
Molecular consequence: synonymous variant.
Genome position (GRCh38, 1-based): chr9:136,496,773, T>C on the plus strand (A>G on the coding strand, the complement: NOTCH1 is on the minus strand). VCF-style: chr9-136496773-T-C. GRCh37 (hg19) VCF-style: chr9-139391225-T-C.
Identifiers: ClinVar variation 668674 (VCV000668674.12), dbSNP rs1318983291, ClinGen allele CA467832032.
Genomic context (GRCh38, chr9:136,496,773, plus strand): 5'-CAGGGAGGGGGCCTGTGTGCTCAGGGGGCCTGGTGCCACACTCCCCCGCAGAGGGTTGTA[T>C]TGGTTCGGCACCATGCCGCTCTGCAGCCGGGACAGCCACTCGCATTGACCATTCAAACTG-3'
Protein context (NP_060087.3, residues 2312-2332): SRLQSGMVPN[Gln2322=]YNPLRGSVAP